The following is an entry in ClinVar:

NM_025114.4(CEP290):c.990G>A (p.Met330Ile)

Gene: CEP290 (centrosomal protein 290; minus strand). Cytogenetic location: 12q21.32.
Variant type: single nucleotide variant.
Coding change: c.990G>A on transcript NM_025114.4 (MANE Select); coding-DNA position 990, G replaced by A.
Protein change: p.Met330Ile; replaces methionine 330 with isoleucine.
Molecular consequence: missense variant.
Genome position (GRCh38, 1-based): chr12:88,126,391, C>T on the plus strand (G>A on the coding strand, the complement: CEP290 is on the minus strand). VCF-style: chr12-88126391-C-T. GRCh37 (hg19) VCF-style: chr12-88520168-C-T.
Other names: short protein forms M330I.
Identifiers: ClinVar variation 1336574 (VCV001336574.7), dbSNP rs1388365600, ClinGen allele CA385982927.

ClinVar aggregate classification (germline): Uncertain significance. Review status: criteria provided, multiple submitters, no conflicts (2 of 4 stars). 4 submissions from 4 submitters: Uncertain significance (4). Last evaluated 2026-06-03.

Conditions:
CEP290-related disorder. Also called: CEP290-related disorders; CEP290-related condition. Identifiers: MedGen CN239314.
Leber congenital amaurosis 10 (LCA10). Identifiers: Orphanet 65, MedGen C1857821, MONDO:0012723, OMIM 611755.
Joubert syndrome 5 (JBTS5). Identifiers: Orphanet 2318, MedGen C1857780, MONDO:0012432, OMIM 610188.
Bardet-Biedl syndrome 14 (BBS14). Identifiers: Orphanet 110, MedGen C2673874, MONDO:0014442, OMIM 615991.
Meckel syndrome, type 4 (MKS4). Also called: MECKEL-GRUBER SYNDROME, TYPE 4. Identifiers: Orphanet 564, MedGen C1970161, MONDO:0012626, OMIM 611134.
Senior-Loken syndrome 6 (SLSN6). Identifiers: Orphanet 3156, MedGen C1857779, MONDO:0012433, OMIM 610189.
Inborn genetic diseases. Identifiers: MedGen C0950123, MeSH D030342.

Allele frequency attached by ClinVar (database versions not stated): gnomAD exomes below 0.00001; TOPMed below 0.00001; gnomAD 0.00001.
gnomAD v4.1: 2 of 1,520,052 alleles (0.00013%); highest among the groups gnomAD compares: Admixed American, 0.0046%; no homozygotes.

Submissions (4):

PreventionGenetics, part of Exact Sciences
Classification: Uncertain significance for CEP290-related condition. Last evaluated: 2026-06-03. Review status: criteria provided, single submitter. Criteria: ACMG Guidelines, 2015. Collection method: clinical testing. Allele origin: germline.
Comment: The CEP290 c.990G>A variant is predicted to result in the amino acid substitution p.Met330Ile. To our knowledge, this variant has not been reported in the literature. This variant is reported in 0.0052% of alleles in individuals of Latino descent in gnomAD. At this time, the clinical significance of this variant is uncertain due to the absence of conclusive functional and genetic evidence.

Fulgent Genetics
Classification: Uncertain significance for Joubert syndrome 5; Senior-Loken syndrome 6; Meckel syndrome, type 4; Leber congenital amaurosis 10; Bardet-Biedl syndrome 14. Last evaluated: 2024-02-22. Review status: criteria provided, single submitter. Criteria: ACMG Guidelines, 2015. Collection method: clinical testing. Allele origin: germline.

Ambry Genetics
Classification: Uncertain significance for Inborn genetic diseases. Last evaluated: 2023-12-27. Review status: criteria provided, single submitter. Criteria: Ambry Variant Classification Scheme 2023. Collection method: clinical testing. Allele origin: germline.

Genetic Services Laboratory, University of Chicago
Classification: Uncertain significance. Last evaluated: 2018-02-19. Review status: criteria provided, single submitter. Criteria: ACMG Guidelines, 2015. Collection method: clinical testing. Allele origin: germline. Affected: no.